The following is an entry in ClinVar:

NM_001042424.3(NSD2):c.4052A>C (p.Lys1351Thr)

Gene: NSD2 (nuclear receptor binding SET domain protein 2; plus strand). Cytogenetic location: 4p16.3.
Variant type: single nucleotide variant.
Coding change: c.4052A>C on transcript NM_001042424.3 (MANE Select); coding-DNA position 4052, A replaced by C.
Protein change: p.Lys1351Thr; replaces lysine 1351 with threonine.
Molecular consequence: missense variant.
Genome position (GRCh38, 1-based): chr4:1,978,863, A>C. VCF-style: chr4-1978863-A-C. GRCh37 (hg19) VCF-style: chr4-1980590-A-C.
Other names: c.4052A>C, p.Lys1351Thr (NM_133330.3, NM_133331.3, NM_133335.4); short protein forms K1351T.
Identifiers: ClinVar variation 1940121 (VCV001940121.2), dbSNP rs569412351, ClinGen allele CA2812965.
Genomic context (GRCh38, chr4:1,978,863, plus strand): 5'-CATCGGTCAGAAGCACCAAGACTGAGAAGCCCCCCCCAGAGCCAGGGAAGCCGAAGGGGA[A>C]GAGGCGGCGGCGGAGGGGCTGGCGGAGAGTCACAGAGGGCAAATAGCGCCAGGCGGCCGC-3'
Protein context (NP_001035889.1, residues 1341-1361): PPPEPGKPKG[Lys1351Thr]RRRRRGWRRV

ClinVar aggregate classification (germline): Uncertain significance (1 of 4 stars; one submission).

Allele frequency attached by ClinVar (database versions not stated): gnomAD 0.00001; TOPMed 0.00001; 1000 Genomes Project 0.00020; 1000 Genomes Project 30x 0.00031.
gnomAD v4.1: 2 of 1,597,690 alleles (0.00013%); highest among the groups gnomAD compares: Non-Finnish European, 0.00017%; no homozygotes.

Submission:

Labcorp Genetics (formerly Invitae), Labcorp
Classification: Uncertain significance. Last evaluated: 2022-06-17. Review status: criteria provided, single submitter. Criteria: Invitae Variant Classification Sherloc (09022015). Collection method: clinical testing. Allele origin: germline.
Comment: This sequence change replaces lysine, which is basic and polar, with threonine, which is neutral and polar, at codon 1351 of the WHSC1 protein (p.Lys1351Thr). This variant is present in population databases (rs569412351, gnomAD 0.003%). This variant has not been reported in the literature in individuals affected with WHSC1-related conditions. Algorithms developed to predict the effect of missense changes on protein structure and function are either unavailable or do not agree on the potential impact of this missense change (SIFT: "Deleterious"; PolyPhen-2: "Not Available"; Align-GVGD: "Class C25"). In summary, the available evidence is currently insufficient to determine the role of this variant in disease. Therefore, it has been classified as a Variant of Uncertain Significance.